The following is an entry in ClinVar:

ClinVar aggregate classification (germline): Likely benign. Review status: criteria provided, multiple submitters, no conflicts (2 of 4 stars). 2 submissions from 2 submitters: Likely benign (2). Last evaluated 2025-12-05.

Conditions:
Peutz-Jeghers syndrome (PJS). Also called: POLYPOSIS, HAMARTOMATOUS INTESTINAL; POLYPS-AND-SPOTS SYNDROME; Peutz-Jeghers polyposis; Periorificial lentiginosis syndrome. Identifiers: Orphanet 2869, MedGen C0031269, MeSH D010580, MONDO:0008280, OMIM 175200.

Submissions (2):

Labcorp Genetics (formerly Invitae), Labcorp
Classification: Likely benign for Peutz-Jeghers syndrome. Last evaluated: 2025-12-05. Review status: criteria provided, single submitter. Criteria: Invitae Variant Classification Sherloc (09022015). Collection method: clinical testing. Allele origin: germline.

Myriad Genetics, Inc.
Classification: Likely benign for Peutz-Jeghers syndrome. Last evaluated: 2025-03-28. Review status: criteria provided, single submitter. Criteria: Myriad Autosomal Dominant, Autosomal Recessive and X-Linked Classification Criteria (2023). Collection method: clinical testing. Allele origin: unknown.
Comment: This variant is considered likely benign. This variant is intronic and is not expected to impact mRNA splicing.

NM_000455.5(STK11):c.921-6T>C

Gene: STK11 (serine/threonine kinase 11; plus strand). Cytogenetic location: 19p13.3.
Variant type: single nucleotide variant.
Coding change: c.921-6T>C on transcript NM_000455.5 (MANE Select); 6 bases into the intron before coding-DNA position 921, T replaced by C.
Molecular consequence: intron variant.
Genome position (GRCh38, 1-based): chr19:1,222,979, T>C. VCF-style: chr19-1222979-T-C. GRCh37 (hg19) VCF-style: chr19-1222978-T-C.
Identifiers: ClinVar variation 754898 (VCV000754898.10), dbSNP rs759049461, ClinGen allele CA304028592.
Genomic context (GRCh38, chr19:1,222,979, plus strand): 5'-TGGGTCGGAAAACTGGACCGCCCTGGTGCCAGCCTGACAGGCGCCACTGCTTCTGGGCGT[T>C]TGCAGCTGGTTCCGGAAGAAACATCCTCCGGCTGAAGCACCAGTGCCCATCCCACCGAGC-3'